The following is an entry in ClinVar:

ClinVar aggregate classification (germline): Likely benign (1 of 4 stars; one submission).

Submission:

CeGaT Center for Human Genetics Tuebingen
Classification: Likely benign. Last evaluated: 2024-08-01. Review status: criteria provided, single submitter. Criteria: CeGaT Center For Human Genetics Tuebingen Variant Classification Criteria Version 2. Collection method: clinical testing. Allele origin: germline. Affected: yes. Observed: 2 variant alleles.
Comment: CHD2: PM2:Supporting, BP4, BP7

NM_001271.4(CHD2):c.2472T>C (p.Ala824=)

Gene: CHD2 (chromodomain helicase DNA binding protein 2; plus strand). Cytogenetic location: 15q26.1.
Variant type: single nucleotide variant.
Coding change: c.2472T>C on transcript NM_001271.4 (MANE Select); coding-DNA position 2472, T replaced by C.
Protein change: p.Ala824=; no amino-acid change (alanine 824 retained).
Molecular consequence: synonymous variant.
Genome position (GRCh38, 1-based): chr15:92,972,384, T>C. VCF-style: chr15-92972384-T-C. GRCh37 (hg19) VCF-style: chr15-93515614-T-C.
Identifiers: ClinVar variation 3341646 (VCV003341646.16).
Genomic context (GRCh38, chr15:92,972,384, plus strand): 5'-AGAAAGGGGGAATCGAGTGCTTATCTTCTCTCAGATGGTGAGAATGTTGGATATCCTGGC[T>C]GAATACCTAACTATTAAACACTATCCTTTCCAGGTAAGGTGATTTCAGTAATTGCTGTGG-3'
Protein context (NP_001262.3, residues 814-834): SQMVRMLDIL[Ala824=]EYLTIKHYPF